The following is an entry in ClinVar:

ClinVar aggregate classification (germline): Uncertain significance. Review status: criteria provided, single submitter (1 of 4 stars). 2 submissions from 2 submitters: Uncertain significance (1). 1 of the submissions does not count toward it. Last evaluated 2020-02-10.

Conditions:
TTN-related disorder. Also called: TTN-related condition; TTN-related disease; TTN-related disorders.
Cardiovascular phenotype. Identifiers: MedGen CN230736.

Allele frequency attached by ClinVar (database versions not stated): gnomAD exomes below 0.00001; TOPMed 0.00001.
gnomAD v4.1: 2 of 1,613,160 alleles (0.00012%); highest among the groups gnomAD compares: Admixed American, 0.0017%; no homozygotes.

Submissions (2):

Ambry Genetics
Classification: Uncertain significance for Cardiovascular phenotype. Last evaluated: 2020-02-10. Review status: criteria provided, single submitter. Criteria: Ambry Variant Classification Scheme 2023. Collection method: clinical testing. Allele origin: germline.
Comment: The p.V13633F variant (also known as c.40897G>T), located in coding exon 147 of the TTN gene, results from a G to T substitution at nucleotide position 40897. The valine at codon 13633 is replaced by phenylalanine, an amino acid with highly similar properties. This amino acid position is not well conserved in available vertebrate species. In addition, this alteration is predicted to be tolerated by in silico analysis. Since supporting evidence is limited at this time, the clinical significance of this alteration remains unclear.

PreventionGenetics, part of Exact Sciences
Classification: Uncertain significance for TTN-related condition. Last evaluated: 2024-03-28. Review status: no assertion criteria provided. Collection method: clinical testing. Allele origin: germline. Not counted in ClinVar's aggregate classification.
Comment: The TTN c.68092G>T variant is predicted to result in the amino acid substitution p.Val22698Phe. To our knowledge, this variant has not been reported in the literature. This variant is reported in 0.0% of alleles in individuals of African descent in gnomAD. At this time, the clinical significance of this variant is uncertain due to the absence of conclusive functional and genetic evidence.

NM_001267550.2(TTN):c.68092G>T (p.Val22698Phe)

Genes: TTN (titin; minus strand), TTN-AS1 (TTN antisense RNA 1; plus strand), LOC126806423 (CDK7 strongly-dependent group 2 enhancer GRCh37_chr2:179443309-179444508; plus strand). Cytogenetic location: 2q31.2.
Variant type: single nucleotide variant.
Coding change: c.68092G>T on transcript NM_001267550.2 (MANE Select); coding-DNA position 68092, G replaced by T.
Protein change: p.Val22698Phe; replaces valine 22698 with phenylalanine.
Molecular consequence: missense variant.
Genome position (GRCh38, 1-based): chr2:178,578,938, C>A on the plus strand (G>T on the coding strand, the complement: TTN is on the minus strand). VCF-style: chr2-178578938-C-A. GRCh37 (hg19) VCF-style: chr2-179443665-C-A.
Other names: c.63169G>T, p.Val21057Phe (NM_001256850.1); c.40897G>T, p.Val13633Phe (NM_003319.4); c.60388G>T, p.Val20130Phe (NM_133378.4); c.41272G>T, p.Val13758Phe (NM_133432.3); c.41473G>T, p.Val13825Phe (NM_133437.4); short protein forms V13633F, V13758F, V20130F, V21057F, V13825F, V22698F.
Identifiers: ClinVar variation 1737679 (VCV001737679.3), dbSNP rs1022194199, ClinGen allele CA60956363.